The following is an entry in ClinVar:

NM_001283009.2(RTEL1):c.190C>G (p.Arg64Gly)

Genes: RTEL1 (regulator of telomere elongation helicase 1; plus strand), RTEL1-TNFRSF6B (RTEL1-TNFRSF6B readthrough (NMD candidate); plus strand). Cytogenetic location: 20q13.33.
Variant type: single nucleotide variant.
Coding change: c.190C>G on transcript NM_001283009.2 (MANE Select); coding-DNA position 190, C replaced by G.
Protein change: p.Arg64Gly; replaces arginine 64 with glycine.
Molecular consequence: missense variant. On other transcripts: non-coding transcript variant (1), 5 prime UTR variant (1).
Genome position (GRCh38, 1-based): chr20:63,661,385, C>G. VCF-style: chr20-63661385-C-G. GRCh37 (hg19) VCF-style: chr20-62292738-C-G.
Other names: c.-480C>G (NM_001283010.1); c.190C>G, p.Arg64Gly (NM_016434.4, NM_032957.5); short protein forms R64G.
Identifiers: ClinVar variation 3791149 (VCV003791149.1).

ClinVar aggregate classification (germline): Uncertain significance (1 of 4 stars; one submission).

Conditions:
Inborn genetic diseases. Identifiers: MedGen C0950123, MeSH D030342.

gnomAD v4.1: 2 of 1,613,900 alleles (0.00012%); highest among the groups gnomAD compares: Non-Finnish European, 0.00017%; no homozygotes.

Submission:

Ambry Genetics
Classification: Uncertain significance for Inborn genetic diseases. Last evaluated: 2025-02-14. Review status: criteria provided, single submitter. Criteria: Ambry Variant Classification Scheme 2023. Collection method: clinical testing. Allele origin: germline.
Comment: The p.R64G variant (also known as c.190C>G), located in coding exon 2 of the RTEL1 gene, results from a C to G substitution at nucleotide position 190. The arginine at codon 64 is replaced by glycine, an amino acid with dissimilar properties. This amino acid position is conserved. In addition, the in silico prediction for this alteration is inconclusive. Based on the available evidence, the clinical significance of this variant remains unclear.